The following is an entry in ClinVar:

ClinVar aggregate classification (germline): Uncertain significance (1 of 4 stars; one submission).

Conditions:
Hereditary cancer-predisposing syndrome. Also called: Hereditary neoplastic syndrome; Neoplastic Syndromes, Hereditary; Tumor predisposition; Hereditary Cancer Syndrome. Identifiers: Orphanet 140162, MedGen C0027672, MeSH D009386, MONDO:0015356.

Submission:

Ambry Genetics
Classification: Uncertain significance for Hereditary cancer-predisposing syndrome. Last evaluated: 2025-01-06. Review status: criteria provided, single submitter. Criteria: Ambry Variant Classification Scheme 2023. Collection method: clinical testing. Allele origin: germline.
Comment: The p.T187S variant (also known as c.559A>T), located in coding exon 2 of the CDKN1B gene, results from an A to T substitution at nucleotide position 559. The threonine at codon 187 is replaced by serine, an amino acid with similar properties. This amino acid position is highly conserved in available vertebrate species. In addition, this alteration is predicted to be tolerated by in silico analysis. Based on the available evidence, the clinical significance of this variant remains unclear.

NM_004064.5(CDKN1B):c.559A>T (p.Thr187Ser)

Gene: CDKN1B (cyclin dependent kinase inhibitor 1B; plus strand). Cytogenetic location: 12p13.1.
Variant type: single nucleotide variant.
Coding change: c.559A>T on transcript NM_004064.5 (MANE Select); coding-DNA position 559, A replaced by T.
Protein change: p.Thr187Ser; replaces threonine 187 with serine.
Molecular consequence: missense variant.
Genome position (GRCh38, 1-based): chr12:12,718,908, A>T. VCF-style: chr12-12718908-A-T. GRCh37 (hg19) VCF-style: chr12-12871842-A-T.
Other names: short protein forms T187S.
Identifiers: ClinVar variation 3830963 (VCV003830963.1).